The following is an entry in ClinVar:

ClinVar aggregate classification (germline): Pathogenic (1 of 4 stars; one submission).

Conditions:
Pheochromocytoma/paraganglioma syndrome 3. Also called: GLOMUS TUMORS, FAMILIAL, 3; Paragangliomas 3; SDHC-Related Hereditary Paraganglioma-Pheochromocytoma Syndrome (Paragangliomas 3); SDHC-Related Hereditary Paraganglioma-Pheochromocytoma Syndrome. Identifiers: Orphanet 29072, MedGen C1854336, MONDO:0011544, OMIM 605373.
Gastrointestinal stromal tumor. Also called: Gastrointestinal stromal tumor, somatic; Gastrointestinal stroma tumor. Identifiers: Orphanet 44890, MedGen C0238198, MeSH D046152, MONDO:0011719, OMIM 606764, HP:0100723.

Submission:

Labcorp Genetics (formerly Invitae), Labcorp
Classification: Pathogenic for Pheochromocytoma/paraganglioma syndrome 3; Gastrointestinal stromal tumor. Last evaluated: 2022-07-21. Review status: criteria provided, single submitter. Criteria: Invitae Variant Classification Sherloc (09022015). Collection method: clinical testing. Allele origin: germline.
Comment: For these reasons, this variant has been classified as Pathogenic. This variant disrupts the p.Arg50 amino acid residue in SDHC. Other variant(s) that disrupt this residue have been determined to be pathogenic (PMID: 23175444, 23666964, 24102379, 27279923). This suggests that this residue is clinically significant, and that variants that disrupt this residue are likely to be disease-causing. This variant is also known as c.20-?_180-?del. A similar copy number variant has been observed in individuals with clinical features of hereditary paraganglioma-pheochromocytoma (PMID: 24758179). This variant is a gross deletion of the genomic region encompassing exon(s) 2-3 of the SDHC gene. This variant would be expected to be in-frame, preserving the integrity of the reading frame.

Literature cited by the submitters: PubMed 23175444; PubMed 23666964; PubMed 24102379; PubMed 27279923; PubMed 24758179.

NC_000001.11:g.(?_161323604)_(161328507_?)del

Gene: SDHC (succinate dehydrogenase complex subunit C; plus strand). Cytogenetic location: 1q23.3.
Variant type: Deletion.
Identifiers: ClinVar variation 831126 (VCV000831126.3).